The following is an entry in ClinVar:

ClinVar aggregate classification (germline): Uncertain significance. Review status: criteria provided, single submitter (1 of 4 stars). 2 submissions from 2 submitters: Uncertain significance (1). 1 of the submissions does not count toward it. Last evaluated 2025-03-06.

Conditions:
UBQLN2-related disorder. Also called: UBQLN2-related condition.
Amyotrophic lateral sclerosis type 15. Also called: AMYOTROPHIC LATERAL SCLEROSIS 15 WITH FRONTOTEMPORAL DEMENTIA. Identifiers: Orphanet 803, MedGen C3275459, MONDO:0010459, OMIM 300857.

Submissions (2):

Labcorp Genetics (formerly Invitae), Labcorp
Classification: Uncertain significance for Amyotrophic lateral sclerosis type 15. Last evaluated: 2025-03-06. Review status: criteria provided, single submitter. Criteria: Invitae Variant Classification Sherloc (09022015). Collection method: clinical testing. Allele origin: germline.
Comment: This sequence change replaces serine, which is neutral and polar, with proline, which is neutral and non-polar, at codon 301 of the UBQLN2 protein (p.Ser301Pro). This variant is present in population databases (no rsID available, gnomAD 0.004%). This variant has not been reported in the literature in individuals affected with UBQLN2-related conditions. ClinVar contains an entry for this variant (Variation ID: 3358437). Invitae Evidence Modeling of protein sequence and biophysical properties (such as structural, functional, and spatial information, amino acid conservation, physicochemical variation, residue mobility, and thermodynamic stability) indicates that this missense variant is not expected to disrupt UBQLN2 protein function with a negative predictive value of 80%. In summary, the available evidence is currently insufficient to determine the role of this variant in disease. Therefore, it has been classified as a Variant of Uncertain Significance.

PreventionGenetics, part of Exact Sciences
Classification: Uncertain significance for UBQLN2-related condition. Last evaluated: 2024-07-30. Review status: no assertion criteria provided. Collection method: clinical testing. Allele origin: germline. Not counted in ClinVar's aggregate classification.
Comment: The UBQLN2 c.901T>C variant is predicted to result in the amino acid substitution p.Ser301Pro. To our knowledge, this variant has not been reported in the literature. This variant is reported in 0.0036% of alleles in individuals of Latino descent in gnomAD. At this time, the clinical significance of this variant is uncertain due to the absence of conclusive functional and genetic evidence.

NM_013444.4(UBQLN2):c.901T>C (p.Ser301Pro)

Gene: UBQLN2 (ubiquilin 2; plus strand). Cytogenetic location: Xp11.21.
Variant type: single nucleotide variant.
Coding change: c.901T>C on transcript NM_013444.4 (MANE Select); coding-DNA position 901, T replaced by C.
Protein change: p.Ser301Pro; replaces serine 301 with proline.
Molecular consequence: missense variant.
Genome position (GRCh38, 1-based): chrX:56,564,774, T>C. VCF-style: chrX-56564774-T-C. GRCh37 (hg19) VCF-style: chrX-56591207-T-C.
Other names: short protein forms S301P.
Identifiers: ClinVar variation 3358437 (VCV003358437.2).